The following is an entry in ClinVar:

NM_020921.4(NIN):c.630C>G (p.Ile210Met)

Gene: NIN (ninein; minus strand). Cytogenetic location: 14q22.1.
Variant type: single nucleotide variant.
Coding change: c.630C>G on transcript NM_020921.4 (MANE Select); coding-DNA position 630, C replaced by G.
Protein change: p.Ile210Met; replaces isoleucine 210 with methionine.
Molecular consequence: missense variant.
Genome position (GRCh38, 1-based): chr14:50,776,985, G>C on the plus strand (C>G on the coding strand, the complement: NIN is on the minus strand). VCF-style: chr14-50776985-G-C. GRCh37 (hg19) VCF-style: chr14-51243703-G-C.
Other names: c.630C>G, p.Ile210Met (NM_016350.5, NM_182944.3, NM_182946.2); c.630C>G (NM_020921.3); short protein forms I210M.
Identifiers: ClinVar variation 2998924 (VCV002998924.4), dbSNP rs758779264, ClinGen allele CA7182399.
Genomic context (GRCh38, chr14:50,776,985, plus strand): 5'-CCTGAATTATACTGCGAGGCTTACCTCTCCATCCACATTCTGTAAACCATACTGCTCACA[G>C]ATGGAGACCAGCTTCTTCCGGTTCAGGTGACCATCACGGGTGATCCCCAAATCTTCACAA-3'
Protein context (NP_065972.4, residues 200-220): GHLNRKKLVS[Ile210Met]CEQYGLQNVD

ClinVar aggregate classification (germline): Uncertain significance. Review status: criteria provided, multiple submitters, no conflicts (2 of 4 stars). 2 submissions from 2 submitters: Uncertain significance (2). Last evaluated 2025-04-17.

Allele frequency attached by ClinVar (database versions not stated): ExAC 0.00001.
gnomAD v4.1: 6 of 1,614,126 alleles (0.00037%); no homozygotes.

Submissions (2):

Labcorp Genetics (formerly Invitae), Labcorp
Classification: Uncertain significance. Last evaluated: 2025-04-17. Review status: criteria provided, single submitter. Criteria: Invitae Variant Classification Sherloc (09022015). Collection method: clinical testing. Allele origin: germline.
Comment: This sequence change replaces isoleucine, which is neutral and non-polar, with methionine, which is neutral and non-polar, at codon 210 of the NIN protein (p.Ile210Met). This variant is present in population databases (rs758779264, gnomAD 0.01%). This variant has not been reported in the literature in individuals affected with NIN-related conditions. ClinVar contains an entry for this variant (Variation ID: 2998924). An algorithm developed to predict the effect of missense changes on protein structure and function (PolyPhen-2) suggests that this variant is likely to be disruptive. In summary, the available evidence is currently insufficient to determine the role of this variant in disease. Therefore, it has been classified as a Variant of Uncertain Significance.

Ambry Genetics
Classification: Uncertain significance. Last evaluated: 2024-08-27. Review status: criteria provided, single submitter. Criteria: Ambry Variant Classification Scheme 2023. Collection method: clinical testing. Allele origin: germline.